The following is an entry in ClinVar:

ClinVar aggregate classification (germline): Uncertain significance. Review status: criteria provided, multiple submitters, no conflicts (2 of 4 stars). 2 submissions from 2 submitters: Uncertain significance (2). Last evaluated 2023-11-27.

Allele frequency attached by ClinVar (database versions not stated): gnomAD 0.00001 and 0.00002; gnomAD exomes 0.00001; TOPMed 0.00001; ExAC 0.00002.
gnomAD v4.1: 18 of 1,614,002 alleles (0.0011%); highest among the groups gnomAD compares: Middle Eastern, 0.12%; no homozygotes.

Submissions (2):

Labcorp Genetics (formerly Invitae), Labcorp
Classification: Uncertain significance. Last evaluated: 2023-11-27. Review status: criteria provided, single submitter. Criteria: Invitae Variant Classification Sherloc (09022015). Collection method: clinical testing. Allele origin: germline.
Comment: This sequence change replaces glycine, which is neutral and non-polar, with aspartic acid, which is acidic and polar, at codon 736 of the AGBL5 protein (p.Gly736Asp). This variant is present in population databases (no rsID available, gnomAD 0.003%). This variant has not been reported in the literature in individuals affected with AGBL5-related conditions. ClinVar contains an entry for this variant (Variation ID: 1385675). An algorithm developed to predict the effect of missense changes on protein structure and function (PolyPhen-2) suggests that this variant is likely to be disruptive. In summary, the available evidence is currently insufficient to determine the role of this variant in disease. Therefore, it has been classified as a Variant of Uncertain Significance.

Blueprint Genetics
Classification: Uncertain significance. Last evaluated: 2023-05-17. Review status: criteria provided, single submitter. Criteria: ACMG Guidelines, 2015. Collection method: clinical testing. Allele origin: germline.

NM_021831.6(AGBL5):c.2207G>A (p.Gly736Asp)

Gene: AGBL5 (AGBL carboxypeptidase 5; plus strand). Cytogenetic location: 2p23.3.
Variant type: single nucleotide variant.
Coding change: c.2207G>A on transcript NM_021831.6 (MANE Select); coding-DNA position 2207, G replaced by A.
Protein change: p.Gly736Asp; replaces glycine 736 with aspartic acid.
Molecular consequence: missense variant. On other transcripts: non-coding transcript variant (2).
Genome position (GRCh38, 1-based): chr2:27,067,611, G>A. VCF-style: chr2-27067611-G-A. GRCh37 (hg19) VCF-style: chr2-27290479-G-A.
Other names: short protein forms G736D.
Identifiers: ClinVar variation 1385675 (VCV001385675.7), dbSNP rs1437431968, ClinGen allele CA1568117.
Genomic context (GRCh38, chr2:27,067,611, plus strand): 5'-GCAGCCTCGCTCCATCCCCAGCTCCTACTAGTTCTGGCCCAGCCTCCTCACACAAGCTGG[G>A]CTCCTGTCTACTGCCTGATTCATTCAACATACCAGGTCTGTACCCACTGCCACTGAAATC-3'
Protein context (NP_068603.4, residues 726-746): SSGPASSHKL[Gly736Asp]SCLLPDSFNI